The following is an entry in ClinVar:

ClinVar aggregate classification (germline): Pathogenic. Review status: criteria provided, single submitter (1 of 4 stars). 2 submissions from 2 submitters: Pathogenic (1). 1 of the submissions does not count toward it. Last evaluated 2025-09-17.

Conditions:
Spermatogenic failure 84 (SPGF84). Identifiers: MedGen C5830562, MONDO:0957301, OMIM 620409.

Allele frequency attached by ClinVar (database versions not stated): ExAC 0.00005; 1000 Genomes Project 0.00020; 1000 Genomes Project 30x 0.00031; gnomAD 0.00002; gnomAD exomes 0.00003.
gnomAD v4.1: 41 of 1,611,938 alleles (0.0025%); highest among the groups gnomAD compares: South Asian, 0.019%; no homozygotes.

Submissions (2):

First Genomix Gene Laboratory, Genetic Diagnostics Department
Classification: Pathogenic for Spermatogenic failure 84. Last evaluated: 2025-09-17. Review status: criteria provided, single submitter. Criteria: ACMG Guidelines, 2015. Collection method: clinical testing. Allele origin: germline. Inheritance: Autosomal recessive inheritance. Affected: no. Observed: 1 variant allele.

OMIM
Classification: Pathogenic for SPERMATOGENIC FAILURE 84. Last evaluated: 2023-06-02. Review status: no assertion criteria provided. Collection method: literature only. Allele origin: germline. Not counted in ClinVar's aggregate classification.

Literature cited by the submitters: PubMed 35174165 (cited by OMIM).

NM_015585.4(CFAP61):c.847C>T (p.Arg283Ter)

Gene: CFAP61 (cilia and flagella associated protein 61; plus strand). Cytogenetic location: 20p11.23.
Variant type: single nucleotide variant.
Coding change: c.847C>T on transcript NM_015585.4 (MANE Select); coding-DNA position 847, C replaced by T.
Protein change: p.Arg283Ter; replaces arginine 283 with a stop codon.
Molecular consequence: nonsense.
Genome position (GRCh38, 1-based): chr20:20,098,802, C>T. VCF-style: chr20-20098802-C-T. GRCh37 (hg19) VCF-style: chr20-20079446-C-T.
Other names: c.847C>T, p.Arg283Ter (NM_001167816.1); short protein forms R283*.
Identifiers: ClinVar variation 2504102 (VCV002504102.1), dbSNP rs201899206, ClinGen allele CA9781655.